The following is an entry in ClinVar:

NM_000081.4(LYST):c.10700A>G (p.Gln3567Arg)

Gene: LYST (lysosomal trafficking regulator; minus strand). Cytogenetic location: 1q42.3.
Variant type: single nucleotide variant.
Coding change: c.10700A>G on transcript NM_000081.4 (MANE Select); coding-DNA position 10700, A replaced by G.
Protein change: p.Gln3567Arg; replaces glutamine 3567 with arginine.
Molecular consequence: missense variant.
Genome position (GRCh38, 1-based): chr1:235,693,351, T>C on the plus strand (A>G on the coding strand, the complement: LYST is on the minus strand). VCF-style: chr1-235693351-T-C. GRCh37 (hg19) VCF-style: chr1-235856651-T-C.
Other names: c.10700A>G, p.Gln3567Arg (NM_001301365.1); c.10700A>G (NM_000081.2); short protein forms Q3567R.
Identifiers: ClinVar variation 2433545 (VCV002433545.8), dbSNP rs770638775, ClinGen allele CA1465313.

ClinVar aggregate classification (germline): Uncertain significance. Review status: criteria provided, multiple submitters, no conflicts (2 of 4 stars). 4 submissions from 4 submitters: Uncertain significance (4). Last evaluated 2024-12-16.

Conditions:
Chédiak-Higashi syndrome (CHS). Also called: Chediak-Higashi Syndrome. Identifiers: Orphanet 167, MedGen C0007965, MONDO:0008963, OMIM 214500.
Inborn genetic diseases. Identifiers: MedGen C0950123, MeSH D030342.

Allele frequency attached by ClinVar (database versions not stated): gnomAD 0.00001; ExAC 0.00002; gnomAD exomes 0.00002.
gnomAD v4.1: 35 of 1,597,462 alleles (0.0022%); highest among the groups gnomAD compares: South Asian, 0.028%; 2 homozygotes.

Submissions (4):

Labcorp Genetics (formerly Invitae), Labcorp
Classification: Uncertain significance for Chédiak-Higashi syndrome. Last evaluated: 2024-12-16. Review status: criteria provided, single submitter. Criteria: Invitae Variant Classification Sherloc (09022015). Collection method: clinical testing. Allele origin: germline.
Comment: This sequence change replaces glutamine, which is neutral and polar, with arginine, which is basic and polar, at codon 3567 of the LYST protein (p.Gln3567Arg). This variant is present in population databases (rs770638775, gnomAD 0.03%). This variant has not been reported in the literature in individuals affected with LYST-related conditions. ClinVar contains an entry for this variant (Variation ID: 2433545). An algorithm developed to predict the effect of missense changes on protein structure and function (PolyPhen-2) suggests that this variant is likely to be tolerated. Algorithms developed to predict the effect of sequence changes on RNA splicing suggest that this variant may disrupt the consensus splice site. In summary, the available evidence is currently insufficient to determine the role of this variant in disease. Therefore, it has been classified as a Variant of Uncertain Significance.

Ambry Genetics
Classification: Uncertain significance for Inborn genetic diseases. Last evaluated: 2023-07-17. Review status: criteria provided, single submitter. Criteria: Ambry Variant Classification Scheme 2023. Collection method: clinical testing. Allele origin: germline.

Blueprint Genetics
Classification: Uncertain significance. Last evaluated: 2023-02-15. Review status: criteria provided, single submitter. Criteria: ACMG Guidelines, 2015. Collection method: clinical testing. Allele origin: germline.

Revvity Omics, Revvity
Classification: Uncertain significance for Chédiak-Higashi syndrome. Last evaluated: 2020-01-03. Review status: criteria provided, single submitter. Criteria: ACMG Guidelines, 2015. Collection method: clinical testing. Allele origin: germline.